The following is an entry in ClinVar:

NM_000215.4(JAK3):c.141C>G (p.Asp47Glu)

Gene: JAK3 (Janus kinase 3; minus strand). Cytogenetic location: 19p13.11.
Variant type: single nucleotide variant.
Coding change: c.141C>G on transcript NM_000215.4 (MANE Select); coding-DNA position 141, C replaced by G.
Protein change: p.Asp47Glu; replaces aspartic acid 47 with glutamic acid.
Molecular consequence: missense variant.
Genome position (GRCh38, 1-based): chr19:17,844,277, G>C on the plus strand (C>G on the coding strand, the complement: JAK3 is on the minus strand). VCF-style: chr19-17844277-G-C. GRCh37 (hg19) VCF-style: chr19-17955086-G-C.
Other names: short protein forms D47E.
Identifiers: ClinVar variation 657107 (VCV000657107.1), dbSNP rs1599881400, ClinGen allele CA404775118.

ClinVar aggregate classification (germline): Uncertain significance (1 of 4 stars; one submission).

Conditions:
T-B+ severe combined immunodeficiency due to JAK3 deficiency. Also called: SCID, T CELL-NEGATIVE, B CELL-POSITIVE, NK CELL-NEGATIVE; SCID, autosomal recessive, T-negative/B-positive type. Identifiers: Orphanet 35078, MedGen C1833275, MONDO:0010938, OMIM 600802.

Allele frequency attached by ClinVar (database versions not stated): gnomAD exomes below 0.00001.
gnomAD v4.1: 1 of 1,605,594 alleles (0.000062%); highest among the groups gnomAD compares: Non-Finnish European, 0.000085%; no homozygotes.

Submission:

Labcorp Genetics (formerly Invitae), Labcorp
Classification: Uncertain significance for Severe combined immunodeficiency, autosomal recessive, T cell-negative, B cell-positive, NK cell-negative. Last evaluated: 2018-08-11. Review status: criteria provided, single submitter. Criteria: Invitae Variant Classification Sherloc (09022015). Collection method: clinical testing. Allele origin: germline.
Comment: This sequence change replaces aspartic acid with glutamic acid at codon 47 of the JAK3 protein (p.Asp47Glu). The aspartic acid residue is weakly conserved and there is a small physicochemical difference between aspartic acid and glutamic acid. This variant is not present in population databases (ExAC no frequency). This variant has not been reported in the literature in individuals with JAK3-related disease. Algorithms developed to predict the effect of missense changes on protein structure and function output the following: SIFT: "Tolerated"; PolyPhen-2: "Benign"; Align-GVGD: "Class C0". The glutamic acid amino acid residue is found in multiple mammalian species, suggesting that this missense change does not adversely affect protein function. These predictions have not been confirmed by published functional studies and their clinical significance is uncertain. In summary, the available evidence is currently insufficient to determine the role of this variant in disease. Therefore, it has been classified as a Variant of Uncertain Significance.